The following is an entry in ClinVar:

ClinVar aggregate classification (germline): Likely benign (0 of 4 stars; one submission).

Conditions:
KIF1B-related disorder. Also called: KIF1B-related condition.

Allele frequency attached by ClinVar (database versions not stated): gnomAD exomes 0.00001; TOPMed 0.00004; gnomAD 0.00005.
gnomAD v4.1: 18 of 1,546,210 alleles (0.0012%); highest among the groups gnomAD compares: African/African-American, 0.0082%; no homozygotes.

Submission:

PreventionGenetics, part of Exact Sciences
Classification: Likely benign for KIF1B-related condition. Last evaluated: 2021-12-06. Review status: no assertion criteria provided. Collection method: clinical testing. Allele origin: germline.
Comment: This variant is classified as likely benign based on ACMG/AMP sequence variant interpretation guidelines (Richards et al. 2015 PMID: 25741868, with internal and published modifications).

NM_001365951.3(KIF1B):c.1194C>T (p.Ile398=)

Gene: KIF1B (kinesin family member 1B; plus strand). Cytogenetic location: 1p36.22.
Variant type: single nucleotide variant.
Coding change: c.1194C>T on transcript NM_001365951.3 (MANE Select); coding-DNA position 1194, C replaced by T.
Protein change: p.Ile398=; no amino-acid change (isoleucine 398 retained).
Molecular consequence: synonymous variant. On other transcripts: intron variant (3).
Genome position (GRCh38, 1-based): chr1:10,279,110, C>T. VCF-style: chr1-10279110-C-T. GRCh37 (hg19) VCF-style: chr1-10339168-C-T.
Other names: c.1194C>T, p.Ile398= (NM_001365952.1); c.1162+982C>T (NM_183416.4, NM_015074.3, NM_001365953.1).
Identifiers: ClinVar variation 3057403 (VCV003057403.2), dbSNP rs1002471752, ClinGen allele CA17840755.